The following is an entry in ClinVar:

NM_001042492.3(NF1):c.2241G>A (p.Met747Ile)

Gene: NF1 (neurofibromin 1; plus strand). Cytogenetic location: 17q11.2.
Variant type: single nucleotide variant.
Coding change: c.2241G>A on transcript NM_001042492.3 (MANE Select); coding-DNA position 2241, G replaced by A.
Protein change: p.Met747Ile; replaces methionine 747 with isoleucine.
Molecular consequence: missense variant.
Genome position (GRCh38, 1-based): chr17:31,226,674, G>A. VCF-style: chr17-31226674-G-A. GRCh37 (hg19) VCF-style: chr17-29553692-G-A.
Other names: c.2241G>A, p.Met747Ile (NM_000267.4); short protein forms M747I.
Identifiers: ClinVar variation 820951 (VCV000820951.5), dbSNP rs1597712751, ClinGen allele CA398982572.

ClinVar aggregate classification (germline): Uncertain significance. Review status: criteria provided, multiple submitters, no conflicts (2 of 4 stars). 2 submissions from 2 submitters: Uncertain significance (2). Last evaluated 2026-01-25.

Conditions:
Neurofibromatosis, type 1 (NF1). Also called: Peripheral type neurofibromatosis; Neurofibromatosis, type I; NEUROFIBROMATOSIS, TYPE I, SOMATIC; VON RECKLINGHAUSEN DISEASE. Identifiers: Orphanet 636, MedGen C0027831, MONDO:0018975, OMIM 162200. Disease mechanism: loss of function.
Hereditary cancer-predisposing syndrome. Also called: Hereditary Cancer Syndrome; Neoplastic Syndromes, Hereditary; Hereditary neoplastic syndrome; Tumor predisposition. Identifiers: Orphanet 140162, MedGen C0027672, MeSH D009386, MONDO:0015356.
Cardiovascular phenotype. Identifiers: MedGen CN230736.

Submissions (2):

Labcorp Genetics (formerly Invitae), Labcorp
Classification: Uncertain significance for Neurofibromatosis, type 1. Last evaluated: 2026-01-25. Review status: criteria provided, single submitter. Criteria: Invitae Variant Classification Sherloc (09022015). Collection method: clinical testing. Allele origin: germline.
Comment: This sequence change replaces methionine, which is neutral and non-polar, with isoleucine, which is neutral and non-polar, at codon 747 of the NF1 protein (p.Met747Ile). This variant is not present in population databases (gnomAD no frequency). This missense change has been observed in individual(s) with neurofibromatosis type 1 (PMID: 22869071). ClinVar contains an entry for this variant (Variation ID: 820951). Invitae Evidence Modeling of protein sequence and biophysical properties (such as structural, functional, and spatial information, amino acid conservation, physicochemical variation, residue mobility, and thermodynamic stability) indicates that this missense variant is not expected to disrupt NF1 protein function with a negative predictive value of 95%. In summary, the available evidence is currently insufficient to determine the role of this variant in disease. Therefore, it has been classified as a Variant of Uncertain Significance.

Ambry Genetics
Classification: Uncertain significance for Cardiovascular phenotype; Hereditary cancer-predisposing syndrome. Last evaluated: 2019-08-22. Review status: criteria provided, single submitter. Criteria: Ambry Variant Classification Scheme 2023. Collection method: clinical testing. Allele origin: germline.
Comment: The p.M747I variant (also known as c.2241G>A), located in coding exon 18 of the NF1 gene, results from a G to A substitution at nucleotide position 2241. The methionine at codon 747 is replaced by isoleucine, an amino acid with highly similar properties. Of note, additional NF1 gene analysis of his malignant peripheral nerve sheath tumor identified no NF1 gene mutations (Tong HX et al. Genet. Mol. Res. 2012 Aug;11:2972-8). This amino acid position is highly conserved in available vertebrate species. In addition, the in silico prediction for this alteration is inconclusive. Since supporting evidence is limited at this time, the clinical significance of this alteration remains unclear.

Literature cited by the submitters: PubMed 22869071 (cited by Labcorp Genetics (formerly Invitae), Labcorp).